The following is an entry in ClinVar:

NM_182916.3(TRNT1):c.1245del (p.Gln414_Trp415insTer)

Gene: TRNT1 (tRNA nucleotidyl transferase 1; plus strand). Cytogenetic location: 3p26.2.
Variant type: Deletion.
Coding change: c.1245del on transcript NM_182916.3 (MANE Select); coding-DNA position 1245, one base deleted (G; older notation c.1245delG).
Protein change: p.Gln414_Trp415insTer.
Molecular consequence: nonsense. On other transcripts: non-coding transcript variant (8).
Genome position (GRCh38, 1-based): chr3:3,148,094, G deleted; the last of 2 consecutive G bases (chr3:3,148,093-3,148,094); deleting either gives the same sequence. VCF-style (leftmost placement, unchanged base first): chr3-3148092-TG-T. GRCh37 (hg19) VCF-style: chr3-3189776-TG-T.
Other names: c.1185del, p.Gln394_Trp395insTer (NM_001302946.2); c.1245del, p.Gln414_Trp415insTer (NM_001367321.1, NM_001367322.1, NM_001367323.1).
Identifiers: ClinVar variation 4728919 (VCV004728919.1).
Genomic context (GRCh38, chr3:3,148,092, plus strand): 5'-AAAGTGGGCATTTCTTCAGGAAAAGAAATTGGGGCTCTATTACAACAGTTGCGAGAACAG[TG>T]GAAAAAAAGTGGTTACCAAATGGAAAAAGATGAACTTCTGAGTTACATAAAGAAGACCTA-3'

ClinVar aggregate classification (germline): Pathogenic (1 of 4 stars; one submission).

Conditions:
Congenital sideroblastic anemia-B-cell immunodeficiency-periodic fever-developmental delay syndrome. Also called: Sideroblastic anemia with B-cell immunodeficiency, periodic fevers, and developmental delay. Identifiers: Orphanet 369861, MedGen C4015172, MONDO:0014487, OMIM 616084.

Submission:

Labcorp Genetics (formerly Invitae), Labcorp
Classification: Pathogenic for Congenital sideroblastic anemia-B-cell immunodeficiency-periodic fever-developmental delay syndrome. Last evaluated: 2025-10-10. Review status: criteria provided, single submitter. Criteria: Invitae Variant Classification Sherloc (09022015). Collection method: clinical testing. Allele origin: germline.
Comment: This sequence change creates a premature translational stop signal (p.Trp415*) in the TRNT1 gene. While this is not anticipated to result in nonsense mediated decay, it is expected to disrupt the last 20 amino acid(s) of the TRNT1 protein. This variant is not present in population databases (gnomAD no frequency). This variant has not been reported in the literature in individuals affected with TRNT1-related conditions. This variant disrupts a region of the TRNT1 protein in which other variant(s) (p.Ser418Lysfs*9) have been determined to be pathogenic (PMID: 25193871, 26494905, 29358286). This suggests that this is a clinically significant region of the protein, and that variants that disrupt it are likely to be disease-causing. For these reasons, this variant has been classified as Pathogenic.

Literature cited by the submitters: PubMed 25193871; PubMed 26494905; PubMed 29358286.